The following is an entry in ClinVar:

ClinVar aggregate classification (germline): Likely pathogenic. Review status: criteria provided, multiple submitters, no conflicts (2 of 4 stars). 3 submissions from 3 submitters: Likely pathogenic (3). Last evaluated 2023-05-30.

Conditions:
Hereditary cancer-predisposing syndrome. Also called: Neoplastic Syndromes, Hereditary; Tumor predisposition; Hereditary Cancer Syndrome; Hereditary neoplastic syndrome. Identifiers: Orphanet 140162, MedGen C0027672, MeSH D009386, MONDO:0015356.
Nijmegen breakage syndrome-like disorder (NBSLD). Also called: MICROCEPHALY AND SPONTANEOUS CHROMOSOME INSTABILITY WITHOUT IMMUNODEFICIENCY; NBS-LIKE DISORDER; RAD50 DEFICIENCY. Identifiers: Orphanet 240760, MedGen C2751318, MONDO:0013118, OMIM 613078.

Allele frequency attached by ClinVar (database versions not stated): gnomAD exomes below 0.00001; TOPMed below 0.00001; gnomAD 0.00001.
gnomAD v4.1: 2 of 1,611,702 alleles (0.00012%); highest among the groups gnomAD compares: Admixed American, 0.0017%; no homozygotes.

Submissions (3):

Labcorp Genetics (formerly Invitae), Labcorp
Classification: Likely pathogenic for Hereditary cancer-predisposing syndrome. Last evaluated: 2023-05-30. Review status: criteria provided, single submitter. Criteria: Invitae Variant Classification Sherloc (09022015). Collection method: clinical testing. Allele origin: germline.
Comment: In summary, the currently available evidence indicates that the variant is pathogenic, but additional data are needed to prove that conclusively. Therefore, this variant has been classified as Likely Pathogenic. Algorithms developed to predict the effect of sequence changes on RNA splicing suggest that this variant may disrupt the consensus splice site. ClinVar contains an entry for this variant (Variation ID: 187599). This variant has not been reported in the literature in individuals affected with RAD50-related conditions. This variant is not present in population databases (gnomAD no frequency). This sequence change affects a donor splice site in intron 20 of the RAD50 gene. It is expected to disrupt RNA splicing. Variants that disrupt the donor or acceptor splice site typically lead to a loss of protein function (PMID: 16199547), and loss-of-function variants in RAD50 are known to be pathogenic (PMID: 19409520).

Baylor Genetics
Classification: Likely pathogenic for Nijmegen breakage syndrome-like disorder. Last evaluated: 2021-03-16. Review status: criteria provided, single submitter. Criteria: ACMG Guidelines, 2015. Collection method: clinical testing. Allele origin: unknown.

Ambry Genetics
Classification: Likely pathogenic for Hereditary cancer-predisposing syndrome. Last evaluated: 2019-05-21. Review status: criteria provided, single submitter. Criteria: Ambry Variant Classification Scheme 2023. Collection method: clinical testing. Allele origin: germline.
Comment: The c.3164+1G>T intronic variant results from a G to T substitution one nucleotide after coding exon 20 of the RAD50 gene. This nucleotide position is highly conserved in available vertebrate species. Using the BDGP and ESEfinder splice site prediction tools, this alteration is predicted to abolish the native splice donor site; however, direct evidence is unavailable. Alterations that disrupt the canonical splice site are expected to cause aberrant splicing, resulting in an abnormal protein or a transcript that is subject to nonsense-mediated mRNA decay. As such, this alteration is classified as likely pathogenic.

Literature cited by the submitters: PubMed 16199547 (cited by Labcorp Genetics (formerly Invitae), Labcorp); PubMed 19409520 (cited by Labcorp Genetics (formerly Invitae), Labcorp).

NM_005732.4(RAD50):c.3164+1G>T

Gene: RAD50 (RAD50 double strand break repair protein; plus strand). Cytogenetic location: 5q31.1.
Variant type: single nucleotide variant.
Coding change: c.3164+1G>T on transcript NM_005732.4 (MANE Select); the canonical splice donor site of the intron after coding-DNA position 3164, G replaced by T.
Molecular consequence: splice donor variant.
Genome position (GRCh38, 1-based): chr5:132,616,131, G>T. VCF-style: chr5-132616131-G-T. GRCh37 (hg19) VCF-style: chr5-131951823-G-T.
Identifiers: ClinVar variation 187599 (VCV000187599.14), dbSNP rs786203805, ClinGen allele CA198052.